The following is an entry in ClinVar:

ClinVar aggregate classification (germline): Uncertain significance. Review status: criteria provided, multiple submitters, no conflicts (2 of 4 stars). 2 submissions from 2 submitters: Uncertain significance (2). Last evaluated 2023-08-15.

Conditions:
ZMIZ1-related disorder. Also called: ZMIZ1-related condition.

Allele frequency attached by ClinVar (database versions not stated): gnomAD 0.00001; TOPMed 0.00003.
gnomAD v4.1: 1 of 1,614,138 alleles (0.000062%); highest among the groups gnomAD compares: African/African-American, 0.0013%; no homozygotes.

Submissions (2):

PreventionGenetics, part of Exact Sciences
Classification: Uncertain significance for ZMIZ1-related condition. Last evaluated: 2023-08-15. Review status: criteria provided, single submitter. Criteria: ACMG Guidelines, 2015. Collection method: clinical testing. Allele origin: germline.
Comment: The ZMIZ1 c.595C>G variant is predicted to result in the amino acid substitution p.Pro199Ala. To our knowledge, this variant has not been reported in the literature or in a large population database, indicating this variant is rare. At this time, the clinical significance of this variant is uncertain due to the absence of conclusive functional and genetic evidence.

Women's Health and Genetics/Laboratory Corporation of America, LabCorp
Classification: Uncertain significance. Last evaluated: 2022-04-18. Review status: criteria provided, single submitter. Criteria: LabCorp Variant Classification Summary - May 2015. Collection method: clinical testing. Allele origin: germline.
Comment: Variant summary: ZMIZ1 c.595C>G (p.Pro199Ala) results in a non-conservative amino acid change in the encoded protein sequence. Three of five in-silico tools predict a benign effect of the variant on protein function. The variant was absent in 251296 control chromosomes. The available data on variant occurrences in the general population are insufficient to allow any conclusion about variant significance. To our knowledge, no occurrence of c.595C>G in individuals affected with Neurodevelopmental Disorder With Dysmorphic Facies And Distal Skeletal Anomalies and no experimental evidence demonstrating its impact on protein function have been reported. No clinical diagnostic laboratories have submitted clinical-significance assessments for this variant to ClinVar after 2014. Based on the evidence outlined above, the variant was classified as uncertain significance.

NM_020338.4(ZMIZ1):c.595C>G (p.Pro199Ala)

Gene: ZMIZ1 (zinc finger MIZ-type containing 1; plus strand). Cytogenetic location: 10q22.3.
Variant type: single nucleotide variant.
Coding change: c.595C>G on transcript NM_020338.4 (MANE Select); coding-DNA position 595, C replaced by G.
Protein change: p.Pro199Ala; replaces proline 199 with alanine.
Molecular consequence: missense variant.
Genome position (GRCh38, 1-based): chr10:79,291,013, C>G. VCF-style: chr10-79291013-C-G. GRCh37 (hg19) VCF-style: chr10-81050770-C-G.
Other names: short protein forms P199A.
Identifiers: ClinVar variation 1683372 (VCV001683372.2), dbSNP rs1226022539, ClinGen allele CA377332108.